The following is an entry in ClinVar:

ClinVar aggregate classification (germline): Uncertain significance (1 of 4 stars; one submission).

Conditions:
Atrioventricular septal defect 4 (AVSD4). Identifiers: MedGen C3280781, MONDO:0013747, OMIM 614430.

gnomAD v4.1: 2 of 1,516,854 alleles (0.00013%); highest among the groups gnomAD compares: Non-Finnish European, 0.000088%; no homozygotes.

Submission:

Labcorp Genetics (formerly Invitae), Labcorp
Classification: Uncertain significance for Atrioventricular septal defect 4. Last evaluated: 2021-08-06. Review status: criteria provided, single submitter. Criteria: Invitae Variant Classification Sherloc (09022015). Collection method: clinical testing. Allele origin: germline.
Comment: In summary, the available evidence is currently insufficient to determine the role of this variant in disease. Therefore, it has been classified as a Variant of Uncertain Significance. Algorithms developed to predict the effect of missense changes on protein structure and function are either unavailable or do not agree on the potential impact of this missense change (SIFT: "Tolerated"; PolyPhen-2: "Possibly Damaging"; Align-GVGD: "Class C0"). This variant has not been reported in the literature in individuals affected with GATA4-related conditions. The frequency data for this variant in the population databases is considered unreliable, as metrics indicate insufficient coverage at this position in the ExAC database. This sequence change replaces proline with leucine at codon 187 of the GATA4 protein (p.Pro187Leu). The proline residue is moderately conserved and there is a moderate physicochemical difference between proline and leucine.

NM_001308093.3(GATA4):c.560C>T (p.Pro187Leu)

Gene: GATA4 (GATA binding protein 4). Cytogenetic location: 8p23.1.
Variant type: single nucleotide variant.
Coding change: c.560C>T on transcript NM_001308093.3 (MANE Select); coding-DNA position 560, C replaced by T.
Protein change: p.Pro187Leu; replaces proline 187 with leucine.
Molecular consequence: missense variant. On other transcripts: intron variant (3).
Genome position (GRCh38, 1-based): chr8:11,708,872, C>T. VCF-style: chr8-11708872-C-T. GRCh37 (hg19) VCF-style: chr8-11566381-C-T.
Other names: c.560C>T, p.Pro187Leu (NM_002052.5); c.-6+8094C>T (NM_001308094.2); c.-3+858C>T (NM_001374274.1); c.-3+4568C>T (NM_001374273.1); short protein forms P187L.
Identifiers: ClinVar variation 1408494 (VCV001408494.6), dbSNP rs1800028058, ClinGen allele CA370309886.